The following is an entry in ClinVar:

ClinVar aggregate classification (germline): Pathogenic (1 of 4 stars; one submission).

Conditions:
Neurofibromatosis, type 1 (NF1). Also called: VON RECKLINGHAUSEN DISEASE; NEUROFIBROMATOSIS, TYPE I, SOMATIC; Peripheral type neurofibromatosis; Neurofibromatosis, type I. Identifiers: Orphanet 636, MedGen C0027831, MONDO:0018975, OMIM 162200. Disease mechanism: loss of function.

Submission:

Department of Neurology, Zibo Changguo Hospital
Classification: Pathogenic for Neurofibromatosis, type 1. Last evaluated: 2025-01-08. Review status: criteria provided, single submitter. Criteria: ACMG Guidelines, 2015. Collection method: clinical testing. Allele origin: de novo. Inheritance: Autosomal dominant inheritance. Affected: yes.
Comment: PVS1, PM6, PM2_Supporting, PP4

NM_001042492.3(NF1):c.7120del (p.Met2374fs)

Gene: NF1 (neurofibromin 1; plus strand). Cytogenetic location: 17q11.2.
Variant type: Deletion.
Coding change: c.7120del on transcript NM_001042492.3 (MANE Select); coding-DNA position 7120, one base deleted (A; older notation c.7120delA).
Protein change: p.Met2374fs; shifts the reading frame from methionine 2374.
Molecular consequence: frameshift variant.
Genome position (GRCh38, 1-based): chr17:31,343,066, A deleted; the last of 3 consecutive A bases (chr17:31,343,064-31,343,066); deleting any one gives the same sequence. VCF-style (leftmost placement, unchanged base first): chr17-31343063-CA-C. GRCh37 (hg19) VCF-style: chr17-29670081-CA-C.
Other names: c.7057delA, p.Met2353Trpfs (NM_000267.4); short protein forms M2353fs, M2374fs.
Identifiers: ClinVar variation 3770201 (VCV003770201.1).